The following is an entry in ClinVar:

NM_001166108.2(PALLD):c.3199C>G (p.Leu1067Val)

Genes: CBR4 (carbonyl reductase 4; minus strand), PALLD (palladin, cytoskeletal associated protein; plus strand). Cytogenetic location: 4q32.3.
Variant type: single nucleotide variant.
Coding change: c.3199C>G on transcript NM_001166108.2 (MANE Select); coding-DNA position 3199, C replaced by G.
Protein change: p.Leu1067Val; replaces leucine 1067 with valine.
Molecular consequence: missense variant.
Genome position (GRCh38, 1-based): chr4:168,924,395, C>G. VCF-style: chr4-168924395-C-G. GRCh37 (hg19) VCF-style: chr4-169845546-C-G.
Other names: c.3148C>G (NM_016081.3); c.2002C>G, p.Leu668Val (NM_001166109.2); c.1687C>G, p.Leu563Val (NM_001166110.2); c.1027C>G, p.Leu343Val (NM_001367567.1, NM_001367569.1); c.1078C>G, p.Leu360Val (NM_001367568.1, NM_001367570.1); c.3148C>G, p.Leu1050Val (NM_016081.4); short protein forms L1050V, L343V, L1067V, L668V, L360V, L563V.
Identifiers: ClinVar variation 862010 (VCV000862010.11), dbSNP rs200399043, ClinGen allele CA3136055.
Genomic context (GRCh38, chr4:168,924,395, plus strand): 5'-GAATGTCGTGTATTGGGAGTGCCACCACCTCAGATATTTTGGAAGAAAGAAAATGAATCA[C>G]TCACTCACAGCACTGACCGAGTGAGGTAAGACTGCACAATGAGAACCTGATCCTTAACTG-3'
Protein context (NP_001159580.1, residues 1057-1077): QIFWKKENES[Leu1067Val]THSTDRVSMH

ClinVar aggregate classification (germline): Uncertain significance. Review status: criteria provided, multiple submitters, no conflicts (2 of 4 stars). 2 submissions from 2 submitters: Uncertain significance (2). Last evaluated 2023-11-06.

Conditions:
Pancreatic adenocarcinoma. Identifiers: MedGen C0281361, MONDO:0006047, HP:0006725.

Allele frequency attached by ClinVar (database versions not stated): gnomAD exomes below 0.00001; ExAC 0.00001; gnomAD 0.00001; TOPMed 0.00001; 1000 Genomes Project 30x 0.00016; 1000 Genomes Project 0.00020.
gnomAD v4.1: 1 of 1,613,916 alleles (0.000062%); highest among the groups gnomAD compares: East Asian, 0.0022%; no homozygotes.

Submissions (2):

Labcorp Genetics (formerly Invitae), Labcorp
Classification: Uncertain significance for Pancreatic adenocarcinoma. Last evaluated: 2023-11-06. Review status: criteria provided, single submitter. Criteria: Invitae Variant Classification Sherloc (09022015). Collection method: clinical testing. Allele origin: germline.
Comment: This sequence change replaces leucine, which is neutral and non-polar, with valine, which is neutral and non-polar, at codon 563 of the PALLD protein (p.Leu563Val). This variant is present in population databases (rs200399043, gnomAD 0.006%). This variant has not been reported in the literature in individuals affected with PALLD-related conditions. ClinVar contains an entry for this variant (Variation ID: 862010). An algorithm developed to predict the effect of missense changes on protein structure and function (PolyPhen-2) suggests that this variant is likely to be tolerated. In summary, the available evidence is currently insufficient to determine the role of this variant in disease. Therefore, it has been classified as a Variant of Uncertain Significance.

Ambry Genetics
Classification: Uncertain significance. Last evaluated: 2023-02-03. Review status: criteria provided, single submitter. Criteria: Ambry Variant Classification Scheme 2023. Collection method: clinical testing. Allele origin: germline.
Comment: The p.L1050V variant (also known as c.3148C>G), located in coding exon 17 of the PALLD gene, results from a C to G substitution at nucleotide position 3148. The leucine at codon 1050 is replaced by valine, an amino acid with highly similar properties. This amino acid position is conserved. In addition, this alteration is predicted to be tolerated by in silico analysis. Since supporting evidence is limited at this time, the clinical significance of this alteration remains unclear.